The following is an entry in ClinVar:

NM_018941.4(CLN8):c.-116A>T

Gene: CLN8 (CLN8 transmembrane ER and ERGIC protein; plus strand). Cytogenetic location: 8p23.3.
Variant type: single nucleotide variant.
Coding change: c.-116A>T on transcript NM_018941.4 (MANE Select); 116 bases upstream of the start codon, A replaced by T.
Molecular consequence: 5 prime UTR variant.
Genome position (GRCh38, 1-based): chr8:1,770,939, A>T. VCF-style: chr8-1770939-A-T. GRCh37 (hg19) VCF-style: chr8-1719105-A-T.
Identifiers: ClinVar variation 506715 (VCV000506715.1), dbSNP rs1410788848, ClinGen allele CA658797070.

ClinVar aggregate classification (germline): Likely benign (1 of 4 stars; one submission).

Allele frequency attached by ClinVar (database versions not stated): TOPMed 0.00006.
gnomAD v4.1: 2 of 893,848 alleles (0.00022%); highest among the groups gnomAD compares: Admixed American, 0.0039%; no homozygotes.

Submission:

GeneDx
Classification: Likely benign. Last evaluated: 2017-09-12. Review status: criteria provided, single submitter. Criteria: GeneDx Variant Classification (06012015). Collection method: clinical testing. Allele origin: germline. Affected: yes.
Comment: This variant is considered likely benign or benign based on one or more of the following criteria: it is a conservative change, it occurs at a poorly conserved position in the protein, it is predicted to be benign by multiple in silico algorithms, and/or has population frequency not consistent with disease.